The following is an entry in ClinVar:

NM_057176.3(BSND):c.177+15G>C

Gene: BSND (barttin CLCNK type accessory subunit beta; plus strand). Cytogenetic location: 1p32.3.
Variant type: single nucleotide variant.
Coding change: c.177+15G>C on transcript NM_057176.3 (MANE Select); 15 bases into the intron after coding-DNA position 177, G replaced by C.
Molecular consequence: intron variant.
Genome position (GRCh38, 1-based): chr1:54,999,378, G>C. VCF-style: chr1-54999378-G-C. GRCh37 (hg19) VCF-style: chr1-55465051-G-C.
Identifiers: ClinVar variation 46547 (VCV000046547.17), dbSNP rs193020037, ClinGen allele CA138600.

ClinVar aggregate classification (germline): Benign/Likely benign. Review status: criteria provided, multiple submitters, no conflicts (2 of 4 stars). 5 submissions from 5 submitters: Benign (1); Likely benign (4). Last evaluated 2026-01-24.

Conditions:
Bartter disease type 4A. Also called: BARTTER SYNDROME, TYPE 4A, NEONATAL, WITH SENSORINEURAL DEAFNESS; BARTTER SYNDROME, NEONATAL, WITH SENSORINEURAL DEAFNESS. Identifiers: Orphanet 112, MedGen C1865270, MONDO:0011242, OMIM 602522.

Allele frequency attached by ClinVar (database versions not stated): gnomAD exomes 0.00010 and 0.00029; ExAC 0.00042; gnomAD 0.00105 and 0.00108; TOPMed 0.00116; ESP Exome Variant Server 0.00146; 1000 Genomes Project 0.00180; 1000 Genomes Project 30x 0.00187.

Submissions (5):

Labcorp Genetics (formerly Invitae), Labcorp
Classification: Benign. Last evaluated: 2026-01-24. Review status: criteria provided, single submitter. Criteria: Invitae Variant Classification Sherloc (09022015). Collection method: clinical testing. Allele origin: germline.

Blueprint Genetics
Classification: Likely benign. Last evaluated: 2024-08-28. Review status: criteria provided, single submitter. Criteria: ACMG Guidelines, 2015. Collection method: clinical testing. Allele origin: germline.

Fulgent Genetics
Classification: Likely benign for Bartter disease type 4A. Last evaluated: 2021-08-09. Review status: criteria provided, single submitter. Criteria: ACMG Guidelines, 2015. Collection method: clinical testing. Allele origin: unknown.

GeneDx
Classification: Likely benign. Last evaluated: 2020-09-02. Review status: criteria provided, single submitter. Criteria: GeneDx Variant Classification Process June 2021. Collection method: clinical testing. Allele origin: germline. Affected: yes.

Laboratory for Molecular Medicine, Mass General Brigham Personalized Medicine
Classification: Likely benign. Last evaluated: 2017-11-27. Review status: criteria provided, single submitter. Criteria: LMM Criteria. Collection method: clinical testing. Allele origin: germline. Observed: 3 variant alleles.
Comment: 177+15G>C in Intron 01 of BSND: This variant is not expected to have clinical si gnificance because it is not located within the conserved splice consensus seque nce and has been identified in 0.4% (95/23914) of African chromosomes by the Gen ome Aggregation Database (gnomAD; dbSNP rs1930 20037).